The following is an entry in ClinVar:

ClinVar aggregate classification (germline): Uncertain significance (1 of 4 stars; one submission).

Conditions:
Cardiovascular phenotype. Identifiers: MedGen CN230736.

gnomAD v4.1: 2 of 1,565,194 alleles (0.00013%); highest among the groups gnomAD compares: Non-Finnish European, 0.00017%; no homozygotes.

Submission:

Ambry Genetics
Classification: Uncertain significance for Cardiovascular phenotype. Last evaluated: 2025-06-01. Review status: criteria provided, single submitter. Criteria: Ambry Variant Classification Scheme 2023. Collection method: clinical testing. Allele origin: germline.
Comment: The p.M247V variant (also known as c.739A>G), located in coding exon 10 of the TXNRD2 gene, results from an A to G substitution at nucleotide position 739. The methionine at codon 247 is replaced by valine, an amino acid with highly similar properties. This amino acid position is conserved. In addition, the in silico prediction for this alteration is inconclusive. Based on the available evidence, the clinical significance of this variant remains unclear.

NM_006440.5(TXNRD2):c.739A>G (p.Met247Val)

Gene: TXNRD2 (thioredoxin reductase 2; minus strand). Cytogenetic location: 22q11.21.
Variant type: single nucleotide variant.
Coding change: c.739A>G on transcript NM_006440.5 (MANE Select); coding-DNA position 739, A replaced by G.
Protein change: p.Met247Val; replaces methionine 247 with valine.
Molecular consequence: missense variant. On other transcripts: non-coding transcript variant (1).
Genome position (GRCh38, 1-based): chr22:19,898,074, T>C on the plus strand (A>G on the coding strand, the complement: TXNRD2 is on the minus strand). VCF-style: chr22-19898074-T-C. GRCh37 (hg19) VCF-style: chr22-19885597-T-C.
Other names: c.739A>G, p.Met247Val (NM_001282512.3); c.736A>G, p.Met246Val (NM_001352300.2); c.649A>G, p.Met217Val (NM_001352301.2); c.451A>G, p.Met151Val (NM_001352302.2); c.643A>G, p.Met215Val (NM_001352303.2); short protein forms M151V, M247V, M217V, M246V, M215V.
Identifiers: ClinVar variation 3976400 (VCV003976400.1).